The following is an entry in ClinVar:

NM_000535.7(PMS2):c.1268C>T (p.Ala423Val)

Gene: PMS2 (PMS1 homolog 2, mismatch repair system component; minus strand). Cytogenetic location: 7p22.1.
Variant type: single nucleotide variant.
Coding change: c.1268C>T on transcript NM_000535.7 (MANE Select); coding-DNA position 1268, C replaced by T.
Protein change: p.Ala423Val; replaces alanine 423 with valine.
Molecular consequence: missense variant. On other transcripts: non-coding transcript variant (1).
Genome position (GRCh38, 1-based): chr7:5,987,497, G>A on the plus strand (C>T on the coding strand, the complement: PMS2 is on the minus strand). VCF-style: chr7-5987497-G-A. GRCh37 (hg19) VCF-style: chr7-6027128-G-A.
Other names: c.863C>T, p.Ala288Val (NM_001322003.2, NM_001322004.2, NM_001322005.2 and 1 more transcripts); c.1112C>T, p.Ala371Val (NM_001322006.2); c.950C>T, p.Ala317Val (NM_001322007.2, NM_001322008.2); c.707C>T, p.Ala236Val (NM_001322010.2); c.335C>T, p.Ala112Val (NM_001322011.2, NM_001322012.2); c.695C>T, p.Ala232Val (NM_001322013.2); c.1268C>T, p.Ala423Val (NM_001322014.2); c.959C>T, p.Ala320Val (NM_001322015.2); short protein forms A423V, A112V, A320V, A236V, A288V, A232V, A317V, A371V.
Identifiers: ClinVar variation 186233 (VCV000186233.18), dbSNP rs756883400, ClinGen allele CA009461.

ClinVar aggregate classification (germline): Uncertain significance. Review status: criteria provided, multiple submitters, no conflicts (2 of 4 stars). 3 submissions from 3 submitters: Uncertain significance (3). Last evaluated 2025-08-28.

Conditions:
Hereditary nonpolyposis colorectal neoplasms. Identifiers: MedGen C0009405, MeSH D003123.
Hereditary cancer-predisposing syndrome. Also called: Neoplastic Syndromes, Hereditary; Tumor predisposition; Hereditary Cancer Syndrome; Hereditary neoplastic syndrome. Identifiers: Orphanet 140162, MedGen C0027672, MeSH D009386, MONDO:0015356.

Allele frequency attached by ClinVar (database versions not stated): TOPMed 0.00001.

Submissions (3):

Color Diagnostics, LLC DBA Color Health
Classification: Uncertain significance for Hereditary cancer-predisposing syndrome. Last evaluated: 2025-08-28. Review status: criteria provided, single submitter. Criteria: ACMG Guidelines, 2015. Collection method: clinical testing. Allele origin: germline.
Comment: This missense variant replaces alanine with valine at codon 423 of the PMS2 protein. Computational prediction suggests that this variant may not impact protein structure and function. To our knowledge, functional studies have not been reported for this variant. This variant has not been reported in individuals affected with PMS2-related disorders in the literature. This variant has not been identified in the general population by the Genome Aggregation Database (gnomAD). The available evidence is insufficient to determine the role of this variant in disease conclusively. Therefore, this variant is classified as a Variant of Uncertain Significance.

Labcorp Genetics (formerly Invitae), Labcorp
Classification: Uncertain significance for Hereditary nonpolyposis colorectal neoplasms. Last evaluated: 2025-05-11. Review status: criteria provided, single submitter. Criteria: Invitae Variant Classification Sherloc (09022015). Collection method: clinical testing. Allele origin: germline.
Comment: This sequence change replaces alanine, which is neutral and non-polar, with valine, which is neutral and non-polar, at codon 423 of the PMS2 protein (p.Ala423Val). This variant is not present in population databases (gnomAD no frequency). This variant has not been reported in the literature in individuals affected with PMS2-related conditions. ClinVar contains an entry for this variant (Variation ID: 186233). Invitae Evidence Modeling incorporating data from in vitro experimental studies (internal data) indicates that this missense variant is not expected to disrupt PMS2 function with a negative predictive value of 95%. In summary, the available evidence is currently insufficient to determine the role of this variant in disease. Therefore, it has been classified as a Variant of Uncertain Significance.

Ambry Genetics
Classification: Uncertain significance for Hereditary cancer-predisposing syndrome. Last evaluated: 2024-01-16. Review status: criteria provided, single submitter. Criteria: Ambry Variant Classification Scheme 2023. Collection method: clinical testing. Allele origin: germline.
Comment: The p.A423V variant (also known as c.1268C>T), located in coding exon 11 of the PMS2 gene, results from a C to T substitution at nucleotide position 1268. The alanine at codon 423 is replaced by valine, an amino acid with similar properties. This amino acid position is well conserved in available vertebrate species. In addition, this alteration is predicted to be tolerated by in silico analysis. Since supporting evidence is limited at this time, the clinical significance of this alteration remains unclear.